The following is an entry in ClinVar:

ClinVar aggregate classification (germline): Conflicting classifications of pathogenicity. Review status: criteria provided, conflicting classifications (1 of 4 stars). 2 submissions from 2 submitters: Uncertain significance (1); Likely benign (1). Last evaluated 2026-02-16.

Conditions:
GNAS-related disorder. Identifiers: MedGen CN380105.

gnomAD v4.1: 23 of 1,530,246 alleles (0.0015%); highest among the groups gnomAD compares: Middle Eastern, 0.019%; no homozygotes.

Submissions (2):

PreventionGenetics, part of Exact Sciences
Classification: Uncertain significance for GNAS-related condition. Last evaluated: 2026-02-16. Review status: criteria provided, single submitter. Criteria: ACMG Guidelines, 2015. Collection method: clinical testing. Allele origin: germline.
Comment: The GNAS c.1193C>T variant is predicted to result in the amino acid substitution p.Thr398Met. To our knowledge, this variant has not been reported in the literature. In the primary transcript listed in the Human Gene Mutation Database (NM_000516), this variant is pre-coding (c.-37082C>T). This variant is reported in 0.017% of alleles in individuals of African descent in gnomAD. At this time, the clinical significance of this variant is uncertain due to the absence of conclusive functional and genetic evidence.

CeGaT Center for Human Genetics Tuebingen
Classification: Likely benign. Last evaluated: 2025-12-01. Review status: criteria provided, single submitter. Criteria: CeGaT Center For Human Genetics Tuebingen Variant Classification Criteria Version 2. Collection method: clinical testing. Allele origin: germline. Affected: yes. Observed: 1 variant allele.
Comment: GNAS: BP4

NM_080425.4(GNAS):c.1380C>T (p.Asp460=)

Gene: GNAS (GNAS complex locus; plus strand). Cytogenetic location: 20q13.32.
Variant type: single nucleotide variant.
Coding change: c.1380C>T on transcript NM_080425.4 (MANE Plus Clinical); coding-DNA position 1380, C replaced by T.
Protein change: p.Asp460=; no amino-acid change (aspartic acid 460 retained).
Molecular consequence: synonymous variant. On other transcripts: missense variant (2), intron variant (3).
Genome position (GRCh38, 1-based): chr20:58,854,645, C>T. VCF-style: chr20-58854645-C-T. GRCh37 (hg19) VCF-style: chr20-57429700-C-T.
Other names: c.1193C>T, p.Thr398Met (NM_001077490.3, NM_001309883.1); c.1380C>T, p.Asp460= (NM_001410913.1); c.*42+13759C>T (NM_016592.5); c.43+13759C>T (NM_001410912.1); c.-39+12770C>T (NM_001309861.2); short protein forms T398M.
Identifiers: ClinVar variation 3350275 (VCV003350275.7).